The following is an entry in ClinVar:

ClinVar aggregate classification (germline): Likely benign. Review status: criteria provided, single submitter (1 of 4 stars). 2 submissions from 2 submitters: Likely benign (1). 1 of the submissions does not count toward it. Last evaluated 2025-06-18.

Conditions:
Peroxisome biogenesis disorder. Identifiers: Orphanet 79189, MedGen C1832200, MONDO:0019234. Disease mechanism: loss of function.
PEX6-related disorder. Also called: PEX6-related disorders; PEX6-related condition.

Allele frequency attached by ClinVar (database versions not stated): gnomAD exomes below 0.00001; TOPMed 0.00001; gnomAD 0.00001.
gnomAD v4.1: 4 of 1,613,644 alleles (0.00025%); highest among the groups gnomAD compares: Non-Finnish European, 0.00025%; no homozygotes.

Submissions (2):

Labcorp Genetics (formerly Invitae), Labcorp
Classification: Likely benign for Peroxisome biogenesis disorder. Last evaluated: 2025-06-18. Review status: criteria provided, single submitter. Criteria: Invitae Variant Classification Sherloc (09022015). Collection method: clinical testing. Allele origin: germline.

PreventionGenetics, part of Exact Sciences
Classification: Likely benign for PEX6-related condition. Last evaluated: 2022-12-05. Review status: no assertion criteria provided. Collection method: clinical testing. Allele origin: germline. Not counted in ClinVar's aggregate classification.
Comment: This variant is classified as likely benign based on ACMG/AMP sequence variant interpretation guidelines (Richards et al. 2015 PMID: 25741868, with internal and published modifications).

NM_000287.4(PEX6):c.1392C>T (p.Ser464=)

Gene: PEX6 (peroxisomal biogenesis factor 6; minus strand). Cytogenetic location: 6p21.1.
Variant type: single nucleotide variant.
Coding change: c.1392C>T on transcript NM_000287.4 (MANE Select); coding-DNA position 1392, C replaced by T.
Protein change: p.Ser464=; no amino-acid change (serine 464 retained).
Molecular consequence: synonymous variant. On other transcripts: non-coding transcript variant (1).
Genome position (GRCh38, 1-based): chr6:42,968,961, G>A on the plus strand (C>T on the coding strand, the complement: PEX6 is on the minus strand). VCF-style: chr6-42968961-G-A. GRCh37 (hg19) VCF-style: chr6-42936699-G-A.
Other names: c.1392C>T (NM_000287.3); c.1128C>T, p.Ser376= (NM_001316313.2).
Identifiers: ClinVar variation 1089799 (VCV001089799.11), dbSNP rs1345870957, ClinGen allele CA450254114.